The following is an entry in ClinVar:

NM_000023.4(SGCA):c.1A>G (p.Met1Val)

Gene: SGCA (sarcoglycan alpha; plus strand). Cytogenetic location: 17q21.33.
Variant type: single nucleotide variant.
Coding change: c.1A>G on transcript NM_000023.4 (MANE Select); coding-DNA position 1, A replaced by G.
Protein change: p.Met1Val; changes the start codon (methionine 1).
Molecular consequence: missense variant, initiator codon variant. On other transcripts: non-coding transcript variant (1).
Genome position (GRCh38, 1-based): chr17:50,166,041, A>G. VCF-style: chr17-50166041-A-G. GRCh37 (hg19) VCF-style: chr17-48243402-A-G.
Other names: c.1A>G, p.Met1Val (NM_001135697.3); short protein forms M1V.
Identifiers: ClinVar variation 1705242 (VCV001705242.8), dbSNP rs2509113878, ClinGen allele CA400210471.

ClinVar aggregate classification (germline): Pathogenic/Likely pathogenic. Review status: criteria provided, multiple submitters, no conflicts (2 of 4 stars). 4 submissions from 4 submitters: Pathogenic (2); Likely pathogenic (2). Last evaluated 2025-07-10.

Conditions:
Autosomal recessive limb-girdle muscular dystrophy. Identifiers: Orphanet 102015, MedGen C2931907, MONDO:0015152.
Autosomal recessive limb-girdle muscular dystrophy type 2D (LGMDR3). Also called: MUSCULAR DYSTROPHY, LIMB-GIRDLE, AUTOSOMAL RECESSIVE 3; ADHALINOPATHY, PRIMARY; DUCHENNE-LIKE AUTOSOMAL RECESSIVE MUSCULAR DYSTROPHY, TYPE 2. Identifiers: Orphanet 62, MedGen C2936332, MONDO:0011968, OMIM 608099. Disease mechanism: Affects gamma-sarcoglycan and also disrupts the integrity of the entire sarcoglycan complex..

Allele frequency attached by ClinVar (database versions not stated): gnomAD exomes below 0.00001.

Submissions (4):

Natera, Inc.
Classification: Pathogenic for Limb-girdle muscular dystrophy type 2D. Last evaluated: 2025-07-10. Review status: criteria provided, single submitter. Criteria: Natera Variant Classification Schema (03/2026). Collection method: clinical testing. Allele origin: germline.
Comment: The c.1A>G variant in SGCA is predicted to result in start loss due to disruption of the initiator methionine. This variant is expected to result in nonsense mediated decay, truncation, or a dysfunctional protein product. This variant is rare in the general population with a frequency below the threshold expected for the associated phenotype(s). This variant has been observed in one or more individuals affected with the associated recessive disease, as either homozygous or compound heterozygous with a second variant (PMID: 30764848). Given the available evidence, this variant is classified as Pathogenic.

3billion
Classification: Likely pathogenic for Autosomal recessive limb-girdle muscular dystrophy type 2D. Last evaluated: 2024-11-27. Review status: criteria provided, single submitter. Criteria: ACMG Guidelines, 2015. Collection method: clinical testing. Allele origin: germline. Affected: yes.
Comment: The variant is observed at an extremely low frequency in the gnomAD v4.1.0 dataset (total allele frequency: <0.001%). Predicted Consequence/Location: Start-lost: reinitiation of translation may occur at a downstream alternate start codon but still result in a loss or disruption of normal protein function as there have been pathogenic variants reported upstream of the alternate start codon. The variant has been reported at least twice as pathogenic without evidence for the classification (ClinVar ID: VCV001705242 /PMID: 30764848). Therefore, this variant is classified as Likely pathogenic according to the recommendation of ACMG/AMP guideline.

Women's Health and Genetics/Laboratory Corporation of America, LabCorp
Classification: Likely pathogenic for Autosomal recessive limb-girdle muscular dystrophy. Last evaluated: 2024-10-28. Review status: criteria provided, single submitter. Criteria: LabCorp Variant Classification Summary - May 2015. Collection method: clinical testing. Allele origin: germline.
Comment: Variant summary: SGCA c.1A>G (p.Met1Val) alters the initiation codon and is predicted to result either in absence of the protein or truncation of the encoded protein due to translation initiation at a downstream codon. A Met codon could not be located several exons downstream. One of two in-silico tools predict a benign effect of the variant on protein function. The variant was absent in 248890 control chromosomes. c.1A>G has been reported in the literature in individuals affected with Limb-Girdle Muscular Dystrophy, Autosomal Recessive(1 homozygous patient, Xie_2019). These data indicate that the variant may be associated with disease. Multiple LOF variants located 5 of the next downstream putative in-frame start codon (Met212) have been reported to associate with disease ( c.-1_9del, c.73C>T/p.Q25*, c.234C>A/p.Y78*). Based on the evidence outlined above, the variant was classified as likely pathogenic. To our knowledge, no experimental evidence demonstrating an impact on protein function has been reported. The following publication have been ascertained in the context of this evaluation (PMID: 30764848). ClinVar contains an entry for this variant (Variation ID: 1705242). Based on the evidence outlined above, the variant was classified as likely pathogenic.

Labcorp Genetics (formerly Invitae), Labcorp
Classification: Pathogenic for Autosomal recessive limb-girdle muscular dystrophy type 2D. Last evaluated: 2023-03-20. Review status: criteria provided, single submitter. Criteria: Invitae Variant Classification Sherloc (09022015). Collection method: clinical testing. Allele origin: germline.
Comment: This sequence change affects the initiator methionine of the SGCA mRNA. The next in-frame methionine is located at codon 212. This variant is not present in population databases (gnomAD no frequency). Disruption of the initiator codon has been observed in individual(s) with limb girdle muscular dystrophy (PMID: 25135358, 30764848). ClinVar contains an entry for this variant (Variation ID: 1705242). This variant disrupts a region of the SGCA protein in which other variant(s) (p.Leu31Pro) have been determined to be pathogenic (PMID: 9032047, 12566530, 18285821, 22095924, 29351619). This suggests that this is a clinically significant region of the protein, and that variants that disrupt it are likely to be disease-causing. For these reasons, this variant has been classified as Pathogenic.

Literature cited by the submitters: PubMed 30764848 (cited by 4 submitters); PubMed 25135358 (cited by Labcorp Genetics (formerly Invitae), Labcorp); PubMed 9032047 (cited by Labcorp Genetics (formerly Invitae), Labcorp); PubMed 12566530 (cited by Labcorp Genetics (formerly Invitae), Labcorp); PubMed 18285821 (cited by Labcorp Genetics (formerly Invitae), Labcorp); PubMed 22095924 (cited by Labcorp Genetics (formerly Invitae), Labcorp); PubMed 29351619 (cited by Labcorp Genetics (formerly Invitae), Labcorp).